The following is an entry in ClinVar:

NM_004415.4(DSP):c.3811G>A (p.Glu1271Lys)

Gene: DSP (desmoplakin; plus strand). Cytogenetic location: 6p24.3.
Variant type: single nucleotide variant.
Coding change: c.3811G>A on transcript NM_004415.4 (MANE Select); coding-DNA position 3811, G replaced by A.
Protein change: p.Glu1271Lys; replaces glutamic acid 1271 with lysine.
Molecular consequence: missense variant. On other transcripts: intron variant (1).
Genome position (GRCh38, 1-based): chr6:7,580,001, G>A. VCF-style: chr6-7580001-G-A. GRCh37 (hg19) VCF-style: chr6-7580234-G-A.
Other names: c.3811G>A, p.Glu1271Lys (NM_001319034.2); c.3582+229G>A (NM_001008844.3); short protein forms E1271K.
Identifiers: ClinVar variation 1411208 (VCV001411208.8), dbSNP rs2113692719, ClinGen allele CA362684900.

ClinVar aggregate classification (germline): Uncertain significance (1 of 4 stars; one submission).

Conditions:
Arrhythmogenic cardiomyopathy with wooly hair and keratoderma. Also called: PALMOPLANTAR KERATODERMA WITH LEFT VENTRICULAR CARDIOMYOPATHY AND WOOLLY HAIR; Dilated cardiomyopathy with woolly hair and keratoderma; Arrhythmogenic cardiomyopathy with woolly hair and keratoderma; Carvajal syndrome. Identifiers: Orphanet 65282, MedGen C1854063, MONDO:0011581, OMIM 605676.
Arrhythmogenic right ventricular dysplasia 8 (ARVD8). Also called: Arrhythmogenic Right Ventricular Dysplasia/Cardiomyopathy 8; ARRHYTHMOGENIC RIGHT VENTRICULAR DYSPLASIA, FAMILIAL, 8; ARRHYTHMOGENIC RIGHT VENTRICULAR CARDIOMYOPATHY 8. Identifiers: MedGen C1843896, MONDO:0011831, OMIM 607450.

Submission:

Labcorp Genetics (formerly Invitae), Labcorp
Classification: Uncertain significance for Arrhythmogenic cardiomyopathy with wooly hair and keratoderma; Arrhythmogenic right ventricular dysplasia 8. Last evaluated: 2026-01-12. Review status: criteria provided, single submitter. Criteria: Invitae Variant Classification Sherloc (09022015). Collection method: clinical testing. Allele origin: germline.
Comment: This sequence change replaces glutamic acid, which is acidic and polar, with lysine, which is basic and polar, at codon 1271 of the DSP protein (p.Glu1271Lys). This variant is not present in population databases (gnomAD no frequency). This variant has not been reported in the literature in individuals affected with DSP-related conditions. ClinVar contains an entry for this variant (Variation ID: 1411208). An algorithm developed to predict the effect of missense changes on protein structure and function (PolyPhen-2) suggests that this variant is likely to be tolerated. In summary, the available evidence is currently insufficient to determine the role of this variant in disease. Therefore, it has been classified as a Variant of Uncertain Significance.